The following is an entry in ClinVar:

ClinVar aggregate classification (germline): Conflicting classifications of pathogenicity. Review status: criteria provided, conflicting classifications (1 of 4 stars). 2 submissions from 2 submitters: Uncertain significance (1); Likely benign (1). Last evaluated 2025-05-02.

Conditions:
Pierpont syndrome (PRPTS). Identifiers: Orphanet 487825, MedGen C1865644, MONDO:0011213, OMIM 602342.

Submissions (2):

Labcorp Genetics (formerly Invitae), Labcorp
Classification: Uncertain significance for Pierpont syndrome. Last evaluated: 2025-05-02. Review status: criteria provided, single submitter. Criteria: Invitae Variant Classification Sherloc (09022015). Collection method: clinical testing. Allele origin: germline.
Comment: This variant, c.324_341dup, results in the insertion of 6 amino acid(s) of the TBL1XR1 protein (p.Ala113_Ala118dup), but otherwise preserves the integrity of the reading frame. This variant is present in population databases (rs768436772, gnomAD 0.003%). This variant has not been reported in the literature in individuals affected with TBL1XR1-related conditions. ClinVar contains an entry for this variant (Variation ID: 1214493). Experimental studies and prediction algorithms are not available or were not evaluated, and the functional significance of this variant is currently unknown. In summary, the available evidence is currently insufficient to determine the role of this variant in disease. Therefore, it has been classified as a Variant of Uncertain Significance.

GeneDx
Classification: Likely benign. Last evaluated: 2022-09-01. Review status: criteria provided, single submitter. Criteria: GeneDx Variant Classification Process June 2021. Collection method: clinical testing. Allele origin: germline. Affected: yes.
Comment: See Variant Classification Assertion Criteria.

NM_024665.7(TBL1XR1):c.324_341dup (p.Ala113_Ala118dup)

Gene: TBL1XR1 (TBL1X/Y related 1; minus strand). Cytogenetic location: 3q26.32.
Variant type: Duplication.
Coding change: c.324_341dup on transcript NM_024665.7 (MANE Select); coding-DNA positions 324 to 341, 18 bases duplicated (AGCAGCTGCTGCAGCTGC).
Protein change: p.Ala113_Ala118dup.
Molecular consequence: inframe insertion.
Genome position (GRCh38, 1-based): chr3:177,051,590-177,051,607, GCAGCTGCAGCAGCTGCT duplicated on the plus strand (AGCAGCTGCTGCAGCTGC on the coding strand, the reverse complement: TBL1XR1 is on the minus strand); duplicating any 18 consecutive bases within chr3:177,051,590-177,051,609 gives the same sequence; the c. name uses the placement nearest the transcript's 3' end. VCF-style (leftmost placement, unchanged base first): chr3-177051589-G-GGCAGCTGCAGCAGCTGCT. GRCh37 (hg19) VCF-style: chr3-176769377-G-GGCAGCTGCAGCAGCTGCT.
Other names: c.324_341dup, p.Ala113_Ala118dup (NM_001321193.3, NM_001321194.3, NM_001374327.1 and 2 more transcripts); c.63_80dup, p.Ala26_Ala31dup (NM_001321195.3, NM_001374330.1).
Identifiers: ClinVar variation 1214493 (VCV001214493.11), dbSNP rs1553816164, ClinGen allele CA2710004.